The following is an entry in ClinVar:

NM_000059.4(BRCA2):c.3414G>C (p.Gln1138His)

Gene: BRCA2 (BRCA2 DNA repair associated; plus strand). Cytogenetic location: 13q13.1.
Variant type: single nucleotide variant.
Coding change: c.3414G>C on transcript NM_000059.4 (MANE Select); coding-DNA position 3414, G replaced by C.
Protein change: p.Gln1138His; replaces glutamine 1138 with histidine.
Molecular consequence: missense variant.
Genome position (GRCh38, 1-based): chr13:32,337,769, G>C. VCF-style: chr13-32337769-G-C. GRCh37 (hg19) VCF-style: chr13-32911906-G-C.
Other names: 3642G>C; short protein forms Q1138H.
Identifiers: ClinVar variation 91801 (VCV000091801.20), dbSNP rs398122766, ClinGen allele CA017972.
Genomic context (GRCh38, chr13:32,337,769, plus strand): 5'-AGAAGAATCAGGAAGTCAGTTTGAATTTACTCAGTTTAGAAAACCAAGCTACATATTGCA[G>C]AAGAGTACATTTGAAGTGCCTGAAAACCAGATGACTATCTTAAAGACCACTTCTGAGGAA-3'
Protein context (NP_000050.3, residues 1128-1148): TQFRKPSYIL[Gln1138His]KSTFEVPENQ

ClinVar aggregate classification (germline): Conflicting classifications of pathogenicity. Review status: criteria provided, conflicting classifications (1 of 4 stars). 7 submissions from 7 submitters: Uncertain significance (5); Likely benign (1). 1 of the submissions does not count toward it. Last evaluated 2025-05-12.

Conditions:
Hereditary cancer-predisposing syndrome. Also called: Tumor predisposition; Hereditary Cancer Syndrome; Neoplastic Syndromes, Hereditary; Hereditary neoplastic syndrome. Identifiers: Orphanet 140162, MedGen C0027672, MeSH D009386, MONDO:0015356.
Hereditary breast ovarian cancer syndrome. Also called: Breast and ovarian cancer; Hereditary breast and ovarian cancer; Hereditary breast and ovarian cancer syndrome; BRCA1- and BRCA2-Associated Hereditary Breast and Ovarian Cancer; Hereditary breast and ovarian cancer syndrome (HBOC); Hereditary breast and/or ovarian cancer syndrome. Identifiers: Orphanet 145, MedGen C0677776, MeSH D061325, MONDO:0003582. Disease mechanism: loss of function.
BRCA2-related disorder. Also called: BRCA2-related condition; BRCA2-related disorders. Identifiers: MedGen CN239275.
Familial cancer of breast. Also called: BREAST CANCER, FAMILIAL; hereditary breast carcinoma; Hereditary breast cancer. Identifiers: Orphanet 227535, MedGen C0346153, MONDO:0016419, OMIM 114480. Disease mechanism: loss of function.
Breast-ovarian cancer, familial, susceptibility to, 2 (BROVCA2). Also called: BRCA2 Hereditary Breast and Ovarian Cancer. Identifiers: Orphanet 145, MedGen C2675520, MONDO:0012933, OMIM 612555. Disease mechanism: loss of function.

Allele frequency attached by ClinVar (database versions not stated): gnomAD exomes below 0.00001; gnomAD 0.00001.

Submissions (7):

Labcorp Genetics (formerly Invitae), Labcorp
Classification: Uncertain significance for Hereditary breast ovarian cancer syndrome. Last evaluated: 2025-05-12. Review status: criteria provided, single submitter. Criteria: Invitae Variant Classification Sherloc (09022015). Collection method: clinical testing. Allele origin: germline.
Comment: This sequence change replaces glutamine, which is neutral and polar, with histidine, which is basic and polar, at codon 1138 of the BRCA2 protein (p.Gln1138His). This variant is not present in population databases (gnomAD no frequency). This variant has not been reported in the literature in individuals affected with BRCA2-related conditions. ClinVar contains an entry for this variant (Variation ID: 91801). Invitae Evidence Modeling of protein sequence and biophysical properties (such as structural, functional, and spatial information, amino acid conservation, physicochemical variation, residue mobility, and thermodynamic stability) indicates that this missense variant is not expected to disrupt BRCA2 protein function with a negative predictive value of 95%. In summary, the available evidence is currently insufficient to determine the role of this variant in disease. Therefore, it has been classified as a Variant of Uncertain Significance.

Ambry Genetics
Classification: Uncertain significance for Hereditary cancer-predisposing syndrome. Last evaluated: 2023-12-31. Review status: criteria provided, single submitter. Criteria: Ambry Variant Classification Scheme 2023. Collection method: clinical testing. Allele origin: germline.
Comment: The p.Q1138H variant (also known as c.3414G>C), located in coding exon 10 of the BRCA2 gene, results from a G to C substitution at nucleotide position 3414. The glutamine at codon 1138 is replaced by histidine, an amino acid with highly similar properties. This amino acid position is poorly conserved in available vertebrate species. In addition, this alteration is predicted to be tolerated by in silico analysis. Since supporting evidence is limited at this time, the clinical significance of this alteration remains unclear.

University of Washington Department of Laboratory Medicine, University of Washington
Classification: Likely benign for Hereditary cancer-predisposing syndrome. Last evaluated: 2023-03-23. Review status: criteria provided, single submitter. Criteria: Dines et al. (Genet Med. 2020). Collection method: curation. Allele origin: germline.
Comment: Missense variant in a coldspot region where missense variants are very unlikely to be pathogenic (PMID:31911673).

BRCA2 exon 11 coldspot. Reclassification based on statistical prior probability.

Department of Pathology and Laboratory Medicine, Sinai Health System
Classification: Uncertain significance for Familial cancer of breast; Breast-ovarian cancer, familial, susceptibility to, 2. Last evaluated: 2023-02-06. Review status: criteria provided, single submitter. Criteria: ACMG Guidelines, 2015. Collection method: research. Allele origin: germline.

PreventionGenetics, part of Exact Sciences
Classification: Uncertain significance for BRCA2-related condition. Last evaluated: 2022-09-09. Review status: criteria provided, single submitter. Criteria: ACMG Guidelines, 2015. Collection method: clinical testing. Allele origin: germline.
Comment: The BRCA2 c.3414G>C variant is predicted to result in the amino acid substitution p.Gln1138His. To our knowledge, this variant has not been reported in the literature or in a large population database, indicating this variant is rare. In ClinVar, this variant is interpreted as uncertain. At this time, the clinical significance of this variant is uncertain due to the absence of conclusive functional and genetic evidence.

Color Diagnostics, LLC DBA Color Health
Classification: Uncertain significance for Hereditary cancer-predisposing syndrome. Last evaluated: 2020-01-17. Review status: criteria provided, single submitter. Criteria: ACMG Guidelines, 2015. Collection method: clinical testing. Allele origin: germline.
Comment: This missense variant replaces glutamine with histidine at codon 1138 of the BRCA2 protein. Computational prediction tool suggests that this variant may not impact protein structure and function (internally defined REVEL score threshold ≤0.5, PMID: 27666373). Splice site prediction tools suggest that this variant may not impact RNA splicing. To our knowledge, functional studies have not been performed for this variant. This variant has not been reported in individuals affected with hereditary cancer in the literature. This variant has not been identified in the general population by the Genome Aggregation Database (gnomAD). The available evidence is insufficient to determine the role of this variant in disease conclusively. Therefore, this variant is classified as a Variant of Uncertain Significance.

Sharing Clinical Reports Project (SCRP)
Classification: Uncertain significance for Breast-ovarian cancer, familial 2. Last evaluated: 2011-11-16. Review status: no assertion criteria provided. Collection method: clinical testing. Allele origin: germline. Not counted in ClinVar's aggregate classification.